The following is an entry in ClinVar:

ClinVar aggregate classification (germline): Uncertain significance (1 of 4 stars; one submission).

Conditions:
Catecholaminergic polymorphic ventricular tachycardia (CVPT). Also called: Catecholamine-induced polymorphic ventricular tachycardia. Identifiers: Orphanet 3286, MedGen C5574922, MONDO:0017990.

Submission:

All of Us Research Program, National Institutes of Health
Classification: Uncertain significance for Catecholaminergic polymorphic ventricular tachycardia. Last evaluated: 2024-05-09. Review status: criteria provided, single submitter. Criteria: ACMG Guidelines, 2015. Collection method: clinical testing. Allele origin: germline. Inheritance: Autosomal dominant inheritance. Observed: 1 variant allele, 1 heterozygote.
Comment: This study involves interpretation of variants in research participants for the purpose of population health screening. Participant phenotype was not available at the time of variant classification. Additional details can be found in publication PMID: 35346344, PMCID: PMC8962531

NM_001035.3(RYR2):c.10546C>G (p.Gln3516Glu)

Gene: RYR2 (ryanodine receptor 2; plus strand). Cytogenetic location: 1q43.
Variant type: single nucleotide variant.
Coding change: c.10546C>G on transcript NM_001035.3 (MANE Select); coding-DNA position 10546, C replaced by G.
Protein change: p.Gln3516Glu; replaces glutamine 3516 with glutamic acid.
Molecular consequence: missense variant.
Genome position (GRCh38, 1-based): chr1:237,718,513, C>G. VCF-style: chr1-237718513-C-G. GRCh37 (hg19) VCF-style: chr1-237881813-C-G.
Other names: short protein forms Q3516E.
Identifiers: ClinVar variation 3385830 (VCV003385830.1).